The following is an entry in ClinVar:

ClinVar aggregate classification (germline): Uncertain significance (1 of 4 stars; one submission).

Submission:

Ambry Genetics
Classification: Uncertain significance. Last evaluated: 2023-03-29. Review status: criteria provided, single submitter. Criteria: Ambry Variant Classification Scheme 2023. Collection method: clinical testing. Allele origin: germline.
Comment: The p.Q233E variant (also known as c.697C>G), located in coding exon 8 of the BUB1 gene, results from a C to G substitution at nucleotide position 697. The glutamine at codon 233 is replaced by glutamic acid, an amino acid with highly similar properties. This amino acid position is conserved. In addition, this alteration is predicted to be tolerated by in silico analysis. Since supporting evidence is limited at this time, the clinical significance of this alteration remains unclear.

NM_004336.5(BUB1):c.697C>G (p.Gln233Glu)

Gene: BUB1 (BUB1 mitotic checkpoint serine/threonine kinase; minus strand). Cytogenetic location: 2q13.
Variant type: single nucleotide variant.
Coding change: c.697C>G on transcript NM_004336.5 (MANE Select); coding-DNA position 697, C replaced by G.
Protein change: p.Gln233Glu; replaces glutamine 233 with glutamic acid.
Molecular consequence: missense variant.
Genome position (GRCh38, 1-based): chr2:110,667,629, G>C on the plus strand (C>G on the coding strand, the complement: BUB1 is on the minus strand). VCF-style: chr2-110667629-G-C. GRCh37 (hg19) VCF-style: chr2-111425206-G-C.
Other names: c.637C>G, p.Gln213Glu (NM_001278616.2); c.697C>G, p.Gln233Glu (NM_001278617.2); short protein forms Q213E, Q233E.
Identifiers: ClinVar variation 2565784 (VCV002565784.2), dbSNP rs761349123, ClinGen allele CA348217822.